The following is an entry in ClinVar:

NM_021620.4(PRDM13):c.664G>C (p.Gly222Arg)

Gene: PRDM13 (PR/SET domain 13; plus strand). Cytogenetic location: 6q16.2.
Variant type: single nucleotide variant.
Coding change: c.664G>C on transcript NM_021620.4 (MANE Select); coding-DNA position 664, G replaced by C.
Protein change: p.Gly222Arg; replaces glycine 222 with arginine.
Molecular consequence: missense variant.
Genome position (GRCh38, 1-based): chr6:99,613,299, G>C. VCF-style: chr6-99613299-G-C. GRCh37 (hg19) VCF-style: chr6-100061175-G-C.
Other names: short protein forms G222R.
Identifiers: ClinVar variation 850041 (VCV000850041.14), dbSNP rs751779599, ClinGen allele CA3936256.
Genomic context (GRCh38, chr6:99,613,299, plus strand): 5'-CCTTCCCAGGCAGGAACTTTGCGACCCCACCCCCTGGGCCCGCCACCAGTTCAGGCCTGC[G>C]GTGCGCGGGAGGGCATCAAGCGCGAGGCCTCTTCCGCGCCCTCGGCCACCTCGCCGACCC-3'
Protein context (NP_067633.2, residues 212-232): PLGPPPVQAC[Gly222Arg]AREGIKREAS

ClinVar aggregate classification (germline): Uncertain significance. Review status: criteria provided, multiple submitters, no conflicts (2 of 4 stars). 4 submissions from 4 submitters: Uncertain significance (3). 1 of the submissions does not count toward it. Last evaluated 2025-05-26.

Conditions:
Inborn genetic diseases. Identifiers: MedGen C0950123, MeSH D030342.
Retinal dystrophy. Also called: Inherited retinal dystrophy. Identifiers: Orphanet 71862, MedGen C0854723, MeSH D058499, MONDO:0019118, HP:0000556.

Allele frequency attached by ClinVar (database versions not stated): gnomAD 0.00001 and 0.00003; TOPMed 0.00002; gnomAD exomes 0.00009; ExAC 0.00019.

Submissions (4):

Ambry Genetics
Classification: Uncertain significance for Inborn genetic diseases. Last evaluated: 2025-05-26. Review status: criteria provided, single submitter. Criteria: Ambry Variant Classification Scheme 2023. Collection method: clinical testing. Allele origin: germline.

Labcorp Genetics (formerly Invitae), Labcorp
Classification: Uncertain significance. Last evaluated: 2025-01-22. Review status: criteria provided, single submitter. Criteria: Invitae Variant Classification Sherloc (09022015). Collection method: clinical testing. Allele origin: germline.
Comment: This sequence change replaces glycine, which is neutral and non-polar, with arginine, which is basic and polar, at codon 222 of the PRDM13 protein (p.Gly222Arg). This variant is present in population databases (rs751779599, gnomAD 0.05%), and has an allele count higher than expected for a pathogenic variant. This variant has not been reported in the literature in individuals affected with PRDM13-related conditions. ClinVar contains an entry for this variant (Variation ID: 850041). An algorithm developed to predict the effect of missense changes on protein structure and function (PolyPhen-2) suggests that this variant is likely to be disruptive. In summary, the available evidence is currently insufficient to determine the role of this variant in disease. Therefore, it has been classified as a Variant of Uncertain Significance.

Blueprint Genetics
Classification: Uncertain significance. Last evaluated: 2020-05-20. Review status: criteria provided, single submitter. Criteria: ACMG Guidelines, 2015. Collection method: clinical testing. Allele origin: germline.

Institute of Human Genetics, Univ. Regensburg, Univ. Regensburg
Classification: Uncertain significance for Retinal dystrophy. Last evaluated: 2023-01-01. Review status: no assertion criteria provided. Criteria: ACMG Guidelines, 2015. Collection method: clinical testing. Allele origin: germline. Affected: yes. Not counted in ClinVar's aggregate classification.